The following is an entry in ClinVar:

NM_000092.5(COL4A4):c.641G>A (p.Gly214Glu)

Gene: COL4A4 (collagen type IV alpha 4 chain; minus strand). Cytogenetic location: 2q36.3.
Variant type: single nucleotide variant.
Coding change: c.641G>A on transcript NM_000092.5 (MANE Select); coding-DNA position 641, G replaced by A.
Protein change: p.Gly214Glu; replaces glycine 214 with glutamic acid.
Molecular consequence: missense variant.
Genome position (GRCh38, 1-based): chr2:227,109,240, C>T on the plus strand (G>A on the coding strand, the complement: COL4A4 is on the minus strand). VCF-style: chr2-227109240-C-T. GRCh37 (hg19) VCF-style: chr2-227973956-C-T.
Other names: short protein forms G214E.
Identifiers: ClinVar variation 936053 (VCV000936053.7), dbSNP rs2061038363, ClinGen allele CA350859769.

ClinVar aggregate classification (germline): Uncertain significance (1 of 4 stars; one submission).

Allele frequency attached by ClinVar (database versions not stated): gnomAD 0.00001.

Submission:

Labcorp Genetics (formerly Invitae), Labcorp
Classification: Uncertain significance. Last evaluated: 2021-08-13. Review status: criteria provided, single submitter. Criteria: Invitae Variant Classification Sherloc (09022015). Collection method: clinical testing. Allele origin: germline.
Comment: This sequence change replaces glycine with glutamic acid at codon 214 of the COL4A4 protein (p.Gly214Glu). The glycine residue is highly conserved and there is a moderate physicochemical difference between glycine and glutamic acid. This variant is not present in population databases (ExAC no frequency). This missense change has been observed in individual(s) with clinical features of COL4A4-related conditions (Invitae). Algorithms developed to predict the effect of missense changes on protein structure and function are either unavailable or do not agree on the potential impact of this missense change (SIFT: "Deleterious"; PolyPhen-2: "Probably Damaging"; Align-GVGD: "Class C0"). In summary, the available evidence is currently insufficient to determine the role of this variant in disease. Therefore, it has been classified as a Variant of Uncertain Significance.